The following is an entry in ClinVar:

NM_130384.3(ATRIP):c.526G>A (p.Asp176Asn)

Genes: ATRIP (ATR interacting protein; plus strand), ATRIP-TREX1 (ATRIP-TREX1 readthrough; plus strand). Cytogenetic location: 3p21.31.
Variant type: single nucleotide variant.
Coding change: c.526G>A on transcript NM_130384.3 (MANE Select); coding-DNA position 526, G replaced by A.
Protein change: p.Asp176Asn; replaces aspartic acid 176 with asparagine.
Molecular consequence: missense variant. On other transcripts: non-coding transcript variant (1).
Genome position (GRCh38, 1-based): chr3:48,451,873, G>A. VCF-style: chr3-48451873-G-A. GRCh37 (hg19) VCF-style: chr3-48493279-G-A.
Other names: c.145G>A, p.Asp49Asn (NM_001271022.2); c.247G>A, p.Asp83Asn (NM_001271023.2); c.526G>A, p.Asp176Asn (NM_032166.4); short protein forms D176N, D49N, D83N.
Identifiers: ClinVar variation 4182268 (VCV004182268.1).

ClinVar aggregate classification (germline): Uncertain significance (1 of 4 stars; one submission).

Submission:

Ambry Genetics
Classification: Uncertain significance. Last evaluated: 2025-08-01. Review status: criteria provided, single submitter. Criteria: Ambry Variant Classification Scheme 2023. Collection method: clinical testing. Allele origin: germline.
Comment: The p.D176N variant (also known as c.526G>A), located in coding exon 3 of the ATRIP gene, results from a G to A substitution at nucleotide position 526. The aspartic acid at codon 176 is replaced by asparagine, an amino acid with highly similar properties. This amino acid position is conserved. In addition, this alteration is predicted to be tolerated by in silico analysis. Based on the available evidence, the clinical significance of this variant remains unclear.